The following is an entry in ClinVar:

NM_004380.3(CREBBP):c.3238C>G (p.Pro1080Ala)

Gene: CREBBP (CREB binding lysine acetyltransferase; minus strand). Cytogenetic location: 16p13.3.
Variant type: single nucleotide variant.
Coding change: c.3238C>G on transcript NM_004380.3 (MANE Select); coding-DNA position 3238, C replaced by G.
Protein change: p.Pro1080Ala; replaces proline 1080 with alanine.
Molecular consequence: missense variant.
Genome position (GRCh38, 1-based): chr16:3,767,732, G>C on the plus strand (C>G on the coding strand, the complement: CREBBP is on the minus strand). VCF-style: chr16-3767732-G-C. GRCh37 (hg19) VCF-style: chr16-3817733-G-C.
Other names: c.3124C>G, p.Pro1042Ala (NM_001079846.1); c.3238C>G (NM_004380.2); short protein forms P1042A, P1080A.
Identifiers: ClinVar variation 2894121 (VCV002894121.4), dbSNP rs373586649, ClinGen allele CA277006790.

ClinVar aggregate classification (germline): Uncertain significance. Review status: criteria provided, multiple submitters, no conflicts (2 of 4 stars). 2 submissions from 2 submitters: Uncertain significance (2). Last evaluated 2026-09-17.

Conditions:
CREBBP-related disorder. Also called: CREBBP-related condition; CREBBP-related disorders.
Rubinstein-Taybi syndrome (RSTS). Identifiers: Orphanet 783, MedGen C0035934, MONDO:0019188.

Allele frequency attached by ClinVar (database versions not stated): gnomAD 0.00001; gnomAD exomes 0.00001; TOPMed 0.00001; ESP Exome Variant Server 0.00008.
gnomAD v4.1: 7 of 1,614,038 alleles (0.00043%); highest among the groups gnomAD compares: Non-Finnish European, 0.00059%; no homozygotes.

Submissions (2):

PreventionGenetics, part of Exact Sciences
Classification: Uncertain significance for CREBBP-related condition. Last evaluated: 2026-09-17. Review status: criteria provided, single submitter. Criteria: ACMG Guidelines, 2015. Collection method: clinical testing. Allele origin: germline.
Comment: The CREBBP c.3238C>G variant is predicted to result in the amino acid substitution p.Pro1080Ala. To our knowledge, this variant has not been reported in the literature. This variant is reported in 0.00088% of alleles in individuals of European (Non-Finnish) descent in gnomAD. At this time, the clinical significance of this variant is uncertain due to the absence of conclusive functional and genetic evidence.

Labcorp Genetics (formerly Invitae), Labcorp
Classification: Uncertain significance for Rubinstein-Taybi syndrome. Last evaluated: 2024-07-02. Review status: criteria provided, single submitter. Criteria: Invitae Variant Classification Sherloc (09022015). Collection method: clinical testing. Allele origin: germline.
Comment: This sequence change replaces proline, which is neutral and non-polar, with alanine, which is neutral and non-polar, at codon 1080 of the CREBBP protein (p.Pro1080Ala). This variant is present in population databases (rs373586649, gnomAD 0.0009%). This variant has not been reported in the literature in individuals affected with CREBBP-related conditions. Advanced modeling of protein sequence and biophysical properties (such as structural, functional, and spatial information, amino acid conservation, physicochemical variation, residue mobility, and thermodynamic stability) has been performed at Invitae for this missense variant, however the output from this modeling did not meet the statistical confidence thresholds required to predict the impact of this variant on CREBBP protein function. In summary, the available evidence is currently insufficient to determine the role of this variant in disease. Therefore, it has been classified as a Variant of Uncertain Significance.